The following is an entry in ClinVar:

NM_006859.4(LIAS):c.954+241G>C

Gene: LIAS (lipoic acid synthetase; plus strand). Cytogenetic location: 4p14.
Variant type: single nucleotide variant.
Coding change: c.954+241G>C on transcript NM_006859.4 (MANE Select); 241 bases into the intron after coding-DNA position 954, G replaced by C.
Molecular consequence: intron variant.
Genome position (GRCh38, 1-based): chr4:39,471,547, G>C. VCF-style: chr4-39471547-G-C. GRCh37 (hg19) VCF-style: chr4-39473167-G-C.
Other names: c.954+241G>C (NM_194451.3); c.825+241G>C (NM_001278590.2); c.645+241G>C (NM_001363700.2).
Identifiers: ClinVar variation 683097 (VCV000683097.1), dbSNP rs189856264, ClinGen allele CA95732250.

ClinVar aggregate classification (germline): Benign (1 of 4 stars; one submission).

Allele frequency attached by ClinVar (database versions not stated): 1000 Genomes Project 0.05891; 1000 Genomes Project 30x 0.06230; TOPMed 0.08052; gnomAD 0.18802 and 0.19186.

Submission:

GeneDx
Classification: Benign. Last evaluated: 2018-06-19. Review status: criteria provided, single submitter. Criteria: GeneDx Variant Classification (06012015). Collection method: clinical testing. Allele origin: germline. Affected: yes.
Comment: This variant is considered likely benign or benign based on one or more of the following criteria: it is a conservative change, it occurs at a poorly conserved position in the protein, it is predicted to be benign by multiple in silico algorithms, and/or has population frequency not consistent with disease.